The following is an entry in ClinVar:

NM_014588.6(VSX1):c.64T>A (p.Ser22Thr)

Gene: VSX1 (visual system homeobox 1; minus strand). Cytogenetic location: 20p11.21.
Variant type: single nucleotide variant.
Coding change: c.64T>A on transcript NM_014588.6 (MANE Select); coding-DNA position 64, T replaced by A.
Protein change: p.Ser22Thr; replaces serine 22 with threonine.
Molecular consequence: missense variant. On other transcripts: non-coding transcript variant (2).
Genome position (GRCh38, 1-based): chr20:25,082,033, A>T on the plus strand (T>A on the coding strand, the complement: VSX1 is on the minus strand). VCF-style: chr20-25082033-A-T. GRCh37 (hg19) VCF-style: chr20-25062669-A-T.
Other names: c.64T>A, p.Ser22Thr (NM_001256271.2, NM_001256272.2, NM_199425.3); c.64T>A (NM_014588.4); short protein forms S22T.
Identifiers: ClinVar variation 1049666 (VCV001049666.7), dbSNP rs1475273454, ClinGen allele CA408437508.

ClinVar aggregate classification (germline): Uncertain significance. Review status: criteria provided, multiple submitters, no conflicts (2 of 4 stars). 3 submissions from 3 submitters: Uncertain significance (2). 1 of the submissions does not count toward it. Last evaluated 2025-05-04.

Conditions:
Inborn genetic diseases. Identifiers: MedGen C0950123, MeSH D030342.

Allele frequency attached by ClinVar (database versions not stated): gnomAD 0.00001 and 0.00002; gnomAD exomes 0.00002 and 0.00003; TOPMed 0.00002.

Submissions (3):

Ambry Genetics
Classification: Uncertain significance for Inborn genetic diseases. Last evaluated: 2025-05-04. Review status: criteria provided, single submitter. Criteria: Ambry Variant Classification Scheme 2023. Collection method: clinical testing. Allele origin: germline.

Labcorp Genetics (formerly Invitae), Labcorp
Classification: Uncertain significance. Last evaluated: 2023-01-24. Review status: criteria provided, single submitter. Criteria: Invitae Variant Classification Sherloc (09022015). Collection method: clinical testing. Allele origin: germline.
Comment: This sequence change replaces serine, which is neutral and polar, with threonine, which is neutral and polar, at codon 22 of the VSX1 protein (p.Ser22Thr). This variant is present in population databases (no rsID available, gnomAD 0.007%). This variant has not been reported in the literature in individuals affected with VSX1-related conditions. ClinVar contains an entry for this variant (Variation ID: 1049666). Algorithms developed to predict the effect of missense changes on protein structure and function (SIFT, PolyPhen-2, Align-GVGD) all suggest that this variant is likely to be tolerated. In summary, the available evidence is currently insufficient to determine the role of this variant in disease. Therefore, it has been classified as a Variant of Uncertain Significance.

Department of Pathology and Laboratory Medicine, Sinai Health System
Classification: Uncertain significance. Review status: no assertion criteria provided. Collection method: clinical testing. Allele origin: unknown. Affected: yes. Study: The Canadian Open Genetics Repository (COGR). Not counted in ClinVar's aggregate classification.
Comment: The VSX1 p.Ser22Thr variant was not identified in the literature nor was it identified in ClinVar. The variant was identified in dbSNP (ID: rs1475273454) and in control databases in 2 of 132528 chromosomes at a frequency of 0.00001509 (Genome Aggregation Database March 6, 2019, v2.1.1). The variant was observed in the following populations: Latino in 1 of 24518 chromosomes (freq: 0.000041) and European (non-Finnish) in 1 of 50202 chromosomes (freq: 0.00002), but was not observed in the African, Ashkenazi Jewish, East Asian, European (Finnish), Other, or South Asian populations. The p.Ser22 residue is not conserved in mammals and computational analyses (PolyPhen-2, SIFT, AlignGVGD, BLOSUM, MutationTaster) do not suggest a high likelihood of impact to the protein; however, this information is not predictive enough to rule out pathogenicity. The variant occurs outside of the splicing consensus sequence and 4 of 4 in silico or computational prediction software programs (SpliceSiteFinder, MaxEntScan, NNSPLICE, GeneSplicer) predict a greater than 10% difference in splicing. However, this has not been confirmed by RNA analysis and is not predictive enough to assume pathogenicity. In summary, based on the above information the clinical significance of this variant cannot be determined with certainty at this time. This variant is classified as a variant of uncertain significance.